The following is an entry in ClinVar:

ClinVar aggregate classification (germline): Likely benign. Review status: criteria provided, multiple submitters, no conflicts (2 of 4 stars). 2 submissions from 2 submitters: Likely benign (2). Last evaluated 2025-11-01.

Submissions (2):

CeGaT Center for Human Genetics Tuebingen
Classification: Likely benign. Last evaluated: 2025-11-01. Review status: criteria provided, single submitter. Criteria: CeGaT Center For Human Genetics Tuebingen Variant Classification Criteria Version 2. Collection method: clinical testing. Allele origin: germline. Affected: yes. Observed: 4 variant alleles.
Comment: CACNB2: BS2

Blueprint Genetics
Classification: Likely benign. Last evaluated: 2024-11-13. Review status: criteria provided, single submitter. Criteria: ACMG Guidelines, 2015. Collection method: clinical testing. Allele origin: germline.

NM_201596.3(CACNB2):c.121-3_121-2insTTTTTTTTTGT

Gene: CACNB2 (calcium voltage-gated channel auxiliary subunit beta 2; plus strand). Cytogenetic location: 10p12.33.
Variant type: Microsatellite.
Coding change: c.121-3_121-2insTTTTTTTTTGT on transcript NM_201596.3 (MANE Select); 3 bases into the intron before coding-DNA position 121 through the canonical splice acceptor site of the intron before coding-DNA position 121, TTTTTTTTTGT inserted.
Molecular consequence: intron variant.
Genome position: GRCh38 VCF-style: chr10-18150879-T-TTTTTTTTTTTG. GRCh37 (hg19) VCF-style: chr10-18439808-T-TTTTTTTTTTTG.
Other names: c.37-3_37-2insTTTTTTTTTGT (NM_201571.4, NM_001167945.2, NM_201572.4); c.121-3_121-2insTTTTTTTTTGT (NM_201593.3, NM_201597.3).
Identifiers: ClinVar variation 2640340 (VCV002640340.25), dbSNP rs769211879.